The following is an entry in ClinVar:

ClinVar aggregate classification (germline): Conflicting classifications of pathogenicity. Review status: criteria provided, conflicting classifications (1 of 4 stars). 3 submissions from 3 submitters: Uncertain significance (2); Likely benign (1). Last evaluated 2026-08-07.

Conditions:
Inborn genetic diseases. Identifiers: MedGen C0950123, MeSH D030342.
Neuronopathy, distal hereditary motor, autosomal recessive 4. Also called: Autosomal recessive lower motor neuron disease with childhood onset; NEUROPATHY, DISTAL HEREDITARY MOTOR, AUTOSOMAL RECESSIVE 4. Identifiers: Orphanet 206580, MedGen C1970211, MONDO:0012608, OMIM 611067.
Charcot-Marie-Tooth disease recessive intermediate C. Also called: CHARCOT-MARIE-TOOTH NEUROPATHY, RECESSIVE INTERMEDIATE C. Identifiers: Orphanet 369867, MedGen C3809309, MONDO:0014154, OMIM 615376.

Allele frequency attached by ClinVar (database versions not stated): gnomAD below 0.00001 and 0.00003; TOPMed below 0.00001; gnomAD exomes 0.00006 and 0.00015; ExAC 0.00012; 1000 Genomes Project 30x 0.00031; 1000 Genomes Project 0.00040.
gnomAD v4.1: 90 of 1,606,290 alleles (0.0056%); highest among the groups gnomAD compares: South Asian, 0.09%; 3 homozygotes.

Submissions (3):

GeneDx
Classification: Uncertain significance. Last evaluated: 2026-08-07. Review status: criteria provided, single submitter. Criteria: GeneDx Variant Classification Process June 2021. Collection method: clinical testing. Allele origin: germline.
Comment: In silico analysis supports that this missense variant has a deleterious effect on protein structure/function; Has not been previously published as pathogenic or benign to our knowledge

Labcorp Genetics (formerly Invitae), Labcorp
Classification: Likely benign for Neuronopathy, distal hereditary motor, autosomal recessive 4; Charcot-Marie-Tooth disease recessive intermediate C. Last evaluated: 2026-02-02. Review status: criteria provided, single submitter. Criteria: Invitae Variant Classification Sherloc (09022015). Collection method: clinical testing. Allele origin: germline.

Ambry Genetics
Classification: Uncertain significance for Inborn genetic diseases. Last evaluated: 2025-03-27. Review status: criteria provided, single submitter. Criteria: Ambry Variant Classification Scheme 2023. Collection method: clinical testing. Allele origin: germline.

NM_020631.6(PLEKHG5):c.288G>T (p.Lys96Asn)

Gene: PLEKHG5 (pleckstrin homology and RhoGEF domain containing G5; minus strand). Cytogenetic location: 1p36.31.
Variant type: single nucleotide variant.
Coding change: c.288G>T on transcript NM_020631.6 (MANE Select); coding-DNA position 288, G replaced by T.
Protein change: p.Lys96Asn; replaces lysine 96 with asparagine.
Molecular consequence: missense variant.
Genome position (GRCh38, 1-based): chr1:6,475,061, C>A on the plus strand (G>T on the coding strand, the complement: PLEKHG5 is on the minus strand). VCF-style: chr1-6475061-C-A. GRCh37 (hg19) VCF-style: chr1-6535121-C-A.
Other names: c.288G>T, p.Lys96Asn (NM_198681.4, NM_001265594.3, NM_001042665.2 and 1 more transcripts); c.495G>T, p.Lys165Asn (NM_001265593.2); c.399G>T, p.Lys133Asn (NM_001265592.2, NM_001042663.3); short protein forms K96N, K165N, K133N.
Identifiers: ClinVar variation 771615 (VCV000771615.14), dbSNP rs575792064, ClinGen allele CA561916.
Genomic context (GRCh38, chr1:6,475,061, plus strand): 5'-CCCTACTCCCAGTCCCACTTCCACCCTGAGCCCCATCAAGCCCTACCCCAGTGACTTCTT[C>A]TTCATGGCTGGGACGATCTCTGTCTCAATGTCCACATTCAGGTCAAATTTCAGAGTGAAG-3'
Protein context (NP_065682.2, residues 86-106): DIETEIVPAM[Lys96Asn]KKSLGEVLLP